The following is an entry in ClinVar:

NM_001142800.2(EYS):c.7227T>C (p.Asp2409=)

Gene: EYS (EGF-like photoreceptor maintenance factor; minus strand). Cytogenetic location: 6q12.
Variant type: single nucleotide variant.
Coding change: c.7227T>C on transcript NM_001142800.2 (MANE Select); coding-DNA position 7227, T replaced by C.
Protein change: p.Asp2409=; no amino-acid change (aspartic acid 2409 retained).
Molecular consequence: synonymous variant.
Genome position (GRCh38, 1-based): chr6:63,864,187, A>G on the plus strand (T>C on the coding strand, the complement: EYS is on the minus strand). VCF-style: chr6-63864187-A-G. GRCh37 (hg19) VCF-style: chr6-64574080-A-G.
Other names: c.7227T>C, p.Asp2409= (NM_001292009.2).
Identifiers: ClinVar variation 1388515 (VCV001388515.6), dbSNP rs762804865, ClinGen allele CA3876834.
Genomic context (GRCh38, chr6:63,864,187, plus strand): 5'-TTCTATCCTCTTCACCTCTTTCTGTCTGTGCTCCATGTTTAATAATCAAATGCTCTTACC[A>G]TCAGTGCAGAGGGGTCCAGACCTCCCATATGGGCAGAGGCAGACAATATCTGTTCCGGAT-3'
Protein context (NP_001136272.1, residues 2399-2419): PYGRSGPLCT[Asp2409=]AINITQPRFS

ClinVar aggregate classification (germline): Uncertain significance (1 of 4 stars; one submission).

Allele frequency attached by ClinVar (database versions not stated): gnomAD exomes below 0.00001; gnomAD 0.00001; TOPMed 0.00001; ExAC 0.00008.
gnomAD v4.1: 4 of 1,484,860 alleles (0.00027%); highest among the groups gnomAD compares: Non-Finnish European, 0.00036%; no homozygotes.

Submission:

Labcorp Genetics (formerly Invitae), Labcorp
Classification: Uncertain significance. Last evaluated: 2022-08-20. Review status: criteria provided, single submitter. Criteria: Invitae Variant Classification Sherloc (09022015). Collection method: clinical testing. Allele origin: germline.
Comment: In summary, the available evidence is currently insufficient to determine the role of this variant in disease. Therefore, it has been classified as a Variant of Uncertain Significance. This sequence change affects codon 2409 of the EYS mRNA. It is a 'silent' change, meaning that it does not change the encoded amino acid sequence of the EYS protein. It affects a nucleotide within the consensus splice site. This variant is present in population databases (rs762804865, gnomAD 0.002%). This variant has not been reported in the literature in individuals affected with EYS-related conditions. ClinVar contains an entry for this variant (Variation ID: 1388515). Algorithms developed to predict the effect of sequence changes on RNA splicing suggest that this variant is not likely to affect RNA splicing.